The following is an entry in ClinVar:

ClinVar aggregate classification (germline): Pathogenic. Review status: reviewed by expert panel (3 of 4 stars). 6 submissions from 6 submitters: Pathogenic (1). 5 of the submissions do not count toward it. Last evaluated 2016-09-08.

Conditions:
Hereditary breast ovarian cancer syndrome. Also called: Hereditary breast and ovarian cancer syndrome; Hereditary breast and ovarian cancer; Hereditary breast and ovarian cancer syndrome (HBOC); Breast and ovarian cancer; Hereditary breast and/or ovarian cancer syndrome; BRCA1- and BRCA2-Associated Hereditary Breast and Ovarian Cancer. Identifiers: Orphanet 145, MedGen C0677776, MeSH D061325, MONDO:0003582. Disease mechanism: loss of function.
Hereditary cancer-predisposing syndrome. Also called: Neoplastic Syndromes, Hereditary; Tumor predisposition; Hereditary neoplastic syndrome; Hereditary Cancer Syndrome. Identifiers: Orphanet 140162, MedGen C0027672, MeSH D009386, MONDO:0015356.
Breast-ovarian cancer, familial, susceptibility to, 2 (BROVCA2). Also called: BRCA2 Hereditary Breast and Ovarian Cancer. Identifiers: Orphanet 145, MedGen C2675520, MONDO:0012933, OMIM 612555. Disease mechanism: loss of function.

Submissions (6):

Evidence-based Network for the Interpretation of Germline Mutant Alleles (ENIGMA)
Classification: Pathogenic for Breast-ovarian cancer, familial, susceptibility to, 2. Last evaluated: 2016-09-08. Review status: reviewed by expert panel. Criteria: ENIGMA BRCA1/2 Classification Criteria (2015). Collection method: curation. Allele origin: germline.
Comment: Variant allele predicted to encode a truncated non-functional protein.

Labcorp Genetics (formerly Invitae), Labcorp
Classification: Pathogenic for Hereditary breast ovarian cancer syndrome. Last evaluated: 2025-12-29. Review status: criteria provided, single submitter. Criteria: Invitae Variant Classification Sherloc (09022015). Collection method: clinical testing. Allele origin: germline. Not counted in ClinVar's aggregate classification.
Comment: This sequence change creates a premature translational stop signal (p.Tyr3092Cysfs*11) in the BRCA2 gene. It is expected to result in an absent or disrupted protein product. Loss-of-function variants in BRCA2 are known to be pathogenic (PMID: 20104584). This variant is not present in population databases (gnomAD no frequency). This premature translational stop signal has been observed in individual(s) with clinical features of hereditary breast and ovarian cancer syndrome (PMID: 25863477, 28724667, 29752822, 30078507, 31411802). This variant is also known as c.9274_9277del (p.Y3092fs). ClinVar contains an entry for this variant (Variation ID: 52802). For these reasons, this variant has been classified as Pathogenic.

Color Diagnostics, LLC DBA Color Health
Classification: Pathogenic for Hereditary cancer-predisposing syndrome. Last evaluated: 2021-12-16. Review status: criteria provided, single submitter. Criteria: ACMG Guidelines, 2015. Collection method: clinical testing. Allele origin: germline. Not counted in ClinVar's aggregate classification.
Comment: This variant deletes 4 nucleotides in exon 25 of the BRCA2 gene, creating a frameshift and premature translation stop signal. This variant is also known as c.9274_9277delTATT in the literature. This variant is expected to result in an absent or non-functional protein product. This variant has been reported in an individual affected with ovarian, fallopian tube or peritoneal cancer and another individual with personal and/or family history of breast and ovarian cancer (PMID: 25863477, 31026599). This variant has not been identified in the general population by the Genome Aggregation Database (gnomAD). Loss of BRCA2 function is a known mechanism of disease. Based on the available evidence, this variant is classified as Pathogenic.

Consortium of Investigators of Modifiers of BRCA1/2 (CIMBA), c/o University of Cambridge
Classification: Pathogenic for Breast-ovarian cancer, familial, susceptibility to, 2. Last evaluated: 2015-10-02. Review status: criteria provided, single submitter. Criteria: CIMBA Mutation Classification guidelines May 2016. Collection method: clinical testing. Allele origin: germline. Not counted in ClinVar's aggregate classification.

Sharing Clinical Reports Project (SCRP)
Classification: Pathogenic for Breast-ovarian cancer, familial 2. Last evaluated: 2012-05-01. Review status: no assertion criteria provided. Collection method: clinical testing. Allele origin: germline. Not counted in ClinVar's aggregate classification.

Breast Cancer Information Core (BIC) (BRCA2)
Classification: Pathogenic for Breast-ovarian cancer, familial 2. Last evaluated: 2003-12-23. Review status: no assertion criteria provided. Collection method: clinical testing. Allele origin: germline. Affected: yes. Observed: 1 variant allele. Not counted in ClinVar's aggregate classification.

Literature cited by the submitters: PubMed 20104584 (cited by Labcorp Genetics (formerly Invitae), Labcorp); PubMed 25863477 (cited by Labcorp Genetics (formerly Invitae), Labcorp and Color Diagnostics, LLC DBA Color Health); PubMed 28724667 (cited by Labcorp Genetics (formerly Invitae), Labcorp); PubMed 29752822 (cited by Labcorp Genetics (formerly Invitae), Labcorp); PubMed 30078507 (cited by Labcorp Genetics (formerly Invitae), Labcorp); PubMed 31411802 (cited by Labcorp Genetics (formerly Invitae), Labcorp); PubMed 31026599 (cited by Color Diagnostics, LLC DBA Color Health).

NM_000059.4(BRCA2):c.9275_9278del (p.Tyr3092fs)

Gene: BRCA2 (BRCA2 DNA repair associated; plus strand). Cytogenetic location: 13q13.1.
Variant type: Deletion.
Coding change: c.9275_9278del on transcript NM_000059.4 (MANE Select); coding-DNA positions 9275 to 9278, 4 bases deleted (ATTT; older notation c.9275_9278delATTT).
Protein change: p.Tyr3092fs; shifts the reading frame from tyrosine 3092.
Molecular consequence: frameshift variant.
Genome position (GRCh38, 1-based): chr13:32,394,707-32,394,710, ATTT deleted; deleting any 4 consecutive bases within chr13:32,394,706-32,394,710 gives the same sequence; the c. name uses the placement nearest the transcript's 3' end. VCF-style (leftmost placement, unchanged base first): chr13-32394705-CTATT-C. GRCh37 (hg19) VCF-style: chr13-32968842-CTATT-C.
Other names: 9503del4; c.9275_9278delATTT (NM_000059.3).
Identifiers: ClinVar variation 52802 (VCV000052802.13), dbSNP rs80359754, ClinGen allele CA026079.